The following is an entry in ClinVar:

NM_002951.5(RPN2):c.881A>G (p.Asn294Ser)

Gene: RPN2 (ribophorin II; plus strand). Cytogenetic location: 20q11.23.
Variant type: single nucleotide variant.
Coding change: c.881A>G on transcript NM_002951.5 (MANE Select); coding-DNA position 881, A replaced by G.
Protein change: p.Asn294Ser; replaces asparagine 294 with serine.
Molecular consequence: missense variant.
Genome position (GRCh38, 1-based): chr20:37,210,060, A>G. VCF-style: chr20-37210060-A-G. GRCh37 (hg19) VCF-style: chr20-35838463-A-G.
Other names: c.785A>G, p.Asn262Ser (NM_001135771.3); c.881A>G, p.Asn294Ser (NM_001324299.2, NM_001324302.2, NM_001324303.2 and 1 more transcripts); c.929A>G, p.Asn310Ser (NM_001324301.2, NM_001324305.2); c.410A>G, p.Asn137Ser (NM_001324306.2); short protein forms N137S, N294S, N310S, N262S.
Identifiers: ClinVar variation 2046036 (VCV002046036.4), dbSNP rs141224628, ClinGen allele CA9847020.

ClinVar aggregate classification (germline): Uncertain significance (1 of 4 stars; one submission).

Conditions:
Congenital disorder of glycosylation (CDG). Also called: Carbohydrate-deficient glycoprotein syndrome; Congenital disorders of glycosylation. Identifiers: Orphanet 137, MedGen C0282577, MONDO:0015286.

Allele frequency attached by ClinVar (database versions not stated): ExAC 0.00002; gnomAD exomes 0.00005; ESP Exome Variant Server 0.00008; gnomAD 0.00011; TOPMed 0.00012.
gnomAD v4.1: 99 of 1,614,040 alleles (0.0061%); highest among the groups gnomAD compares: African/African-American, 0.024%; 2 homozygotes.

Submission:

Labcorp Genetics (formerly Invitae), Labcorp
Classification: Uncertain significance for Congenital disorder of glycosylation. Last evaluated: 2025-03-03. Review status: criteria provided, single submitter. Criteria: Invitae Variant Classification Sherloc (09022015). Collection method: clinical testing. Allele origin: germline.
Comment: This sequence change replaces asparagine, which is neutral and polar, with serine, which is neutral and polar, at codon 294 of the RPN2 protein (p.Asn294Ser). This variant is present in population databases (rs141224628, gnomAD 0.02%). This variant has not been reported in the literature in individuals affected with RPN2-related conditions. ClinVar contains an entry for this variant (Variation ID: 2046036). An algorithm developed to predict the effect of missense changes on protein structure and function outputs the following: PolyPhen-2: "Benign". The serine amino acid residue is found in multiple mammalian species, which suggests that this missense change does not adversely affect protein function. In summary, the available evidence is currently insufficient to determine the role of this variant in disease. Therefore, it has been classified as a Variant of Uncertain Significance.